The following is an entry in ClinVar:

NM_006346.4(PIBF1):c.1944A>C (p.Ala648=)

Gene: PIBF1 (progesterone immunomodulatory binding factor 1; plus strand). Cytogenetic location: 13q22.1.
Variant type: single nucleotide variant.
Coding change: c.1944A>C on transcript NM_006346.4 (MANE Select); coding-DNA position 1944, A replaced by C.
Protein change: p.Ala648=; no amino-acid change (alanine 648 retained).
Molecular consequence: synonymous variant. On other transcripts: non-coding transcript variant (2).
Genome position (GRCh38, 1-based): chr13:72,965,384, A>C. VCF-style: chr13-72965384-A-C. GRCh37 (hg19) VCF-style: chr13-73539522-A-C.
Other names: c.2031A>C, p.Ala677= (NM_001349655.2).
Identifiers: ClinVar variation 1694706 (VCV001694706.32), dbSNP rs376145910, ClinGen allele CA7002449.
Genomic context (GRCh38, chr13:72,965,384, plus strand): 5'-TCTCATTGAATCAGTGCGTCAGAGAGATTCTAAGATTGATTCACTGACGGAATCTATTGC[A>C]CAACTTGAGAAAGATGTCAGGTAAACCATCTACAAATCTTTTATTTGAATAATAAAGACA-3'
Protein context (NP_006337.2, residues 638-658): SKIDSLTESI[Ala648=]QLEKDVSNLN

ClinVar aggregate classification (germline): Likely benign. Review status: criteria provided, multiple submitters, no conflicts (2 of 4 stars). 2 submissions from 2 submitters: Likely benign (2). Last evaluated 2023-05-03.

Allele frequency attached by ClinVar (database versions not stated): ExAC 0.00001; gnomAD 0.00001; gnomAD exomes 0.00001 and 0.00002; TOPMed 0.00002; ESP Exome Variant Server 0.00015.
gnomAD v4.1: 31 of 1,609,896 alleles (0.0019%); highest among the groups gnomAD compares: Non-Finnish European, 0.0025%; no homozygotes.

Submissions (2):

Blueprint Genetics
Classification: Likely benign. Last evaluated: 2023-05-03. Review status: criteria provided, single submitter. Criteria: ACMG Guidelines, 2015. Collection method: clinical testing. Allele origin: germline.

CeGaT Center for Human Genetics Tuebingen
Classification: Likely benign. Last evaluated: 2022-05-01. Review status: criteria provided, single submitter. Criteria: CeGaT Center For Human Genetics Tuebingen Variant Classification Criteria Version 2. Collection method: clinical testing. Allele origin: germline. Affected: yes. Observed: 1 variant allele.
Comment: PIBF1: BP4, BP7